The following is an entry in ClinVar:

NM_004525.3(LRP2):c.12296-7T>A

Gene: LRP2 (LDL receptor related protein 2; minus strand). Cytogenetic location: 2q31.1.
Variant type: single nucleotide variant.
Coding change: c.12296-7T>A on transcript NM_004525.3 (MANE Select); 7 bases into the intron before coding-DNA position 12296, T replaced by A.
Molecular consequence: intron variant.
Genome position (GRCh38, 1-based): chr2:169,152,971, A>T on the plus strand (T>A on the coding strand, the complement: LRP2 is on the minus strand). VCF-style: chr2-169152971-A-T. GRCh37 (hg19) VCF-style: chr2-170009481-A-T.
Identifiers: ClinVar variation 731074 (VCV000731074.44), dbSNP rs200755164, ClinGen allele CA1952833.

ClinVar aggregate classification (germline): Benign/Likely benign. Review status: criteria provided, multiple submitters, no conflicts (2 of 4 stars). 8 submissions from 8 submitters: Benign (2); Likely benign (3). 3 of the submissions do not count toward it. Last evaluated 2026-01-27.

Conditions:
Donnai-Barrow syndrome. Also called: DBS/FOAR SYNDROME; FACIOOCULOACOUSTICORENAL SYNDROME. Identifiers: Orphanet 2143, MedGen C1857277, MONDO:0009104, OMIM 222448.
LRP2-related disorder. Also called: LRP2-related condition.

Allele frequency attached by ClinVar (database versions not stated): ESP Exome Variant Server 0.00008; gnomAD 0.00013 and 0.00035; TOPMed 0.00018; gnomAD exomes 0.00060 and 0.00114; 1000 Genomes Project 30x 0.00094; 1000 Genomes Project 0.00100; ExAC 0.00126.

Submissions (8):

Labcorp Genetics (formerly Invitae), Labcorp
Classification: Benign. Last evaluated: 2026-01-27. Review status: criteria provided, single submitter. Criteria: Invitae Variant Classification Sherloc (09022015). Collection method: clinical testing. Allele origin: germline.

CeGaT Center for Human Genetics Tuebingen
Classification: Likely benign. Last evaluated: 2023-06-01. Review status: criteria provided, single submitter. Criteria: CeGaT Center For Human Genetics Tuebingen Variant Classification Criteria Version 2. Collection method: clinical testing. Allele origin: germline. Affected: yes. Observed: 2 variant alleles.
Comment: LRP2: BP4, BS2

Genome-Nilou Lab
Classification: Benign for Donnai-Barrow syndrome. Last evaluated: 2021-07-15. Review status: criteria provided, single submitter. Criteria: ACMG Guidelines, 2015. Collection method: clinical testing. Allele origin: germline. Affected: no.

Illumina Laboratory Services, Illumina
Classification: Likely benign for Donnai-Barrow syndrome. Last evaluated: 2018-01-13. Review status: criteria provided, single submitter. Criteria: ICSL Variant Classification Criteria 13 December 2019. Collection method: clinical testing. Allele origin: germline.
Comment: This variant was observed in the ICSL laboratory as part of a predisposition screen in an ostensibly healthy population. It had not been previously curated by ICSL or reported in the Human Gene Mutation Database (HGMD: prior to June 1st, 2018), and was therefore a candidate for classification through an automated scoring system. Utilizing variant allele frequency, disease prevalence and penetrance estimates, and inheritance mode, an automated score was calculated to assess if this variant is too frequent to cause the disease. Based on the score and internal cut-off values, a variant classified as likely benign is not then subjected to further curation. The score for this variant resulted in a classification of likely benign for this disease.

Breakthrough Genomics
Classification: Likely benign. Review status: criteria provided, single submitter. Criteria: ACMG Guidelines, 2015. Collection method: not provided. Allele origin: germline. Inheritance: Autosomal recessive inheritance. Affected: yes.

PreventionGenetics, part of Exact Sciences
Classification: Benign for LRP2-related condition. Last evaluated: 2019-11-11. Review status: no assertion criteria provided. Collection method: clinical testing. Allele origin: germline. Not counted in ClinVar's aggregate classification.
Comment: This variant is classified as benign based on ACMG/AMP sequence variant interpretation guidelines (Richards et al. 2015 PMID: 25741868, with internal and published modifications).

Clinical Genetics DNA and cytogenetics Diagnostics Lab, Erasmus MC, Erasmus Medical Center
Classification: Likely benign. Review status: no assertion criteria provided. Collection method: clinical testing. Allele origin: germline. Affected: yes. Study: VKGL Data-share Consensus. Not counted in ClinVar's aggregate classification.

Laboratory of Diagnostic Genome Analysis, Leiden University Medical Center (LUMC)
Classification: Likely benign. Review status: no assertion criteria provided. Collection method: clinical testing. Allele origin: germline. Affected: yes. Study: VKGL Data-share Consensus. Not counted in ClinVar's aggregate classification.